The following is an entry in ClinVar:

ClinVar aggregate classification (germline): Benign/Likely benign. Review status: criteria provided, multiple submitters, no conflicts (2 of 4 stars). 3 submissions from 3 submitters: Benign (1); Likely benign (2). Last evaluated 2026-07-09.

Conditions:
Hereditary cancer-predisposing syndrome. Also called: Hereditary neoplastic syndrome; Neoplastic Syndromes, Hereditary; Tumor predisposition; Hereditary Cancer Syndrome. Identifiers: Orphanet 140162, MedGen C0027672, MeSH D009386, MONDO:0015356.
Rhabdoid tumor predisposition syndrome 2 (RTPS2). Identifiers: Orphanet 231108, Orphanet 69077, MedGen C2750074, MONDO:0013224, OMIM 613325.

Allele frequency attached by ClinVar (database versions not stated): ExAC 0.00001; gnomAD exomes below 0.00001.
gnomAD v4.1: 2 of 1,612,558 alleles (0.00012%); highest among the groups gnomAD compares: South Asian, 0.0022%; no homozygotes.

Submissions (3):

Myriad Genetics, Inc.
Classification: Benign for Rhabdoid tumor predisposition syndrome 2. Last evaluated: 2026-07-09. Review status: criteria provided, single submitter. Criteria: Myriad Autosomal Dominant, Autosomal Recessive and X-Linked Classification Criteria (2023). Collection method: clinical testing. Allele origin: unknown.
Comment: This variant is considered benign. This variant is a silent/synonymous amino acid change and it is not expected to impact splicing.

Labcorp Genetics (formerly Invitae), Labcorp
Classification: Likely benign for Rhabdoid tumor predisposition syndrome 2. Last evaluated: 2022-10-21. Review status: criteria provided, single submitter. Criteria: Invitae Variant Classification Sherloc (09022015). Collection method: clinical testing. Allele origin: germline.

Ambry Genetics
Classification: Likely benign for Hereditary cancer-predisposing syndrome. Last evaluated: 2019-01-14. Review status: criteria provided, single submitter. Criteria: Ambry Variant Classification Scheme 2023. Collection method: clinical testing. Allele origin: germline.

NM_003072.5(SMARCA4):c.1113G>A (p.Glu371=)

Gene: SMARCA4 (SWI/SNF related BAF chromatin remodeling complex subunit ATPase 4; plus strand). Cytogenetic location: 19p13.2.
Variant type: single nucleotide variant.
Coding change: c.1113G>A on transcript NM_003072.5 (MANE Select); coding-DNA position 1113, G replaced by A.
Protein change: p.Glu371=; no amino-acid change (glutamic acid 371 retained).
Molecular consequence: synonymous variant. On other transcripts: non-coding transcript variant (1).
Genome position (GRCh38, 1-based): chr19:10,987,919, G>A. VCF-style: chr19-10987919-G-A. GRCh37 (hg19) VCF-style: chr19-11098595-G-A.
Other names: c.1113G>A, p.Glu371= (NM_001128844.3, NM_001128845.2, NM_001128846.2 and 4 more transcripts).
Identifiers: ClinVar variation 822203 (VCV000822203.14), dbSNP rs780678103, ClinGen allele CA9203676.